The following is an entry in ClinVar:

ClinVar aggregate classification (germline): Likely benign (0 of 4 stars; one submission).

Conditions:
SPTLC1-related disorder. Also called: SPTLC1-related condition.

Submission:

PreventionGenetics, part of Exact Sciences
Classification: Likely benign for SPTLC1-related condition. Last evaluated: 2019-05-23. Review status: no assertion criteria provided. Collection method: clinical testing. Allele origin: germline.
Comment: This variant is classified as likely benign based on ACMG/AMP sequence variant interpretation guidelines (Richards et al. 2015 PMID: 25741868, with internal and published modifications).

NM_006415.4(SPTLC1):c.1082-8dup

Gene: SPTLC1 (serine palmitoyltransferase long chain base subunit 1; minus strand). Cytogenetic location: 9q22.31.
Variant type: Duplication.
Coding change: c.1082-8dup on transcript NM_006415.4 (MANE Select); 8 bases into the intron before coding-DNA position 1082, one base duplicated (T; older notation c.1082-8dupT).
Molecular consequence: intron variant.
Genome position (GRCh38, 1-based): chr9:92,046,061, A duplicated on the plus strand (T on the coding strand, the reverse complement: SPTLC1 is on the minus strand); the first of 7 consecutive A bases (chr9:92,046,061-92,046,067); duplicating any one gives the same sequence. VCF-style (leftmost placement, unchanged base first): chr9-92046060-G-GA. GRCh37 (hg19) VCF-style: chr9-94808342-G-GA.
Other names: c.1082-8dup (NM_001281303.2); c.716-8dup (NM_001368272.1); c.617-8dup (NM_001368273.1).
Identifiers: ClinVar variation 3039278 (VCV003039278.2), dbSNP rs763441730, ClinGen allele CA2579378322.